The following is an entry in ClinVar:

ClinVar aggregate classification (germline): Uncertain significance (1 of 4 stars; one submission).

Conditions:
Alagille syndrome due to a JAG1 point mutation. Also called: Alagille Syndrome 1; JAG1-Related Alagille Syndrome; HEPATIC DUCTULAR HYPOPLASIA, SYNDROMATIC. Identifiers: Orphanet 261619, Orphanet 52, MedGen C1956125, MONDO:0016862, OMIM 118450.

Allele frequency attached by ClinVar (database versions not stated): gnomAD exomes below 0.00001.
gnomAD v4.1: 1 of 1,614,192 alleles (0.000062%); highest among the groups gnomAD compares: Middle Eastern, 0.016%; no homozygotes.

Submission:

Labcorp Genetics (formerly Invitae), Labcorp
Classification: Uncertain significance for Alagille syndrome due to a JAG1 point mutation. Last evaluated: 2024-02-22. Review status: criteria provided, single submitter. Criteria: Invitae Variant Classification Sherloc (09022015). Collection method: clinical testing. Allele origin: germline.
Comment: This sequence change replaces aspartic acid, which is acidic and polar, with asparagine, which is neutral and polar, at codon 1024 of the JAG1 protein (p.Asp1024Asn). This variant is not present in population databases (gnomAD no frequency). This variant has not been reported in the literature in individuals affected with JAG1-related conditions. Advanced modeling of protein sequence and biophysical properties (such as structural, functional, and spatial information, amino acid conservation, physicochemical variation, residue mobility, and thermodynamic stability) performed at Invitae indicates that this missense variant is not expected to disrupt JAG1 protein function with a negative predictive value of 95%. In summary, the available evidence is currently insufficient to determine the role of this variant in disease. Therefore, it has been classified as a Variant of Uncertain Significance.

NM_000214.3(JAG1):c.3070G>A (p.Asp1024Asn)

Gene: JAG1 (jagged canonical Notch ligand 1; minus strand). Cytogenetic location: 20p12.2.
Variant type: single nucleotide variant.
Coding change: c.3070G>A on transcript NM_000214.3 (MANE Select); coding-DNA position 3070, G replaced by A.
Protein change: p.Asp1024Asn; replaces aspartic acid 1024 with asparagine.
Molecular consequence: missense variant.
Genome position (GRCh38, 1-based): chr20:10,640,912, C>T on the plus strand (G>A on the coding strand, the complement: JAG1 is on the minus strand). VCF-style: chr20-10640912-C-T. GRCh37 (hg19) VCF-style: chr20-10621560-C-T.
Other names: short protein forms D1024N.
Identifiers: ClinVar variation 2841421 (VCV002841421.3), dbSNP rs2514507938, ClinGen allele CA408244292.